The following is an entry in ClinVar:

NM_001113491.2(SEPTIN9):c.1343C>T (p.Thr448Ile)

Gene: SEPTIN9 (septin 9; plus strand). Cytogenetic location: 17q25.3.
Variant type: single nucleotide variant.
Coding change: c.1343C>T on transcript NM_001113491.2 (MANE Select); coding-DNA position 1343, C replaced by T.
Protein change: p.Thr448Ile; replaces threonine 448 with isoleucine.
Molecular consequence: missense variant.
Genome position (GRCh38, 1-based): chr17:77,490,822, C>T. VCF-style: chr17-77490822-C-T. GRCh37 (hg19) VCF-style: chr17-75486904-C-T.
Other names: c.851C>T, p.Thr284Ile (NM_001113492.2, NM_001113494.1); c.1322C>T, p.Thr441Ile (NM_001113493.2); c.590C>T, p.Thr197Ile (NM_001113495.2, NM_001113496.2, NM_001293697.2 and 1 more transcripts); c.1286C>T, p.Thr429Ile (NM_001293695.2); c.671C>T, p.Thr224Ile (NM_001293696.2); c.1289C>T, p.Thr430Ile (NM_006640.5); short protein forms T430I, T448I, T284I, T197I, T224I, T429I, T441I.
Identifiers: ClinVar variation 2788130 (VCV002788130.3), dbSNP rs1281317829, ClinGen allele CA401209577.
Genomic context (GRCh38, chr17:77,490,822, plus strand): 5'-AGTTTATGAAACGCCTGAGCAAGGTGGTCAACATCGTCCCTGTCATCGCCAAGGCGGACA[C>T]ACTCACCCTGGAGGAGAGGGTCCACTTCAAACAGCGGGTAGGGTTCCATCTCTACTTGCC-3'
Protein context (NP_001106963.1, residues 438-458): NIVPVIAKAD[Thr448Ile]LTLEERVHFK

ClinVar aggregate classification (germline): Uncertain significance (1 of 4 stars; one submission).

Allele frequency attached by ClinVar (database versions not stated): TOPMed below 0.00001.

Submission:

Labcorp Genetics (formerly Invitae), Labcorp
Classification: Uncertain significance. Last evaluated: 2023-08-17. Review status: criteria provided, single submitter. Criteria: Invitae Variant Classification Sherloc (09022015). Collection method: clinical testing. Allele origin: germline.
Comment: This sequence change replaces threonine, which is neutral and polar, with isoleucine, which is neutral and non-polar, at codon 430 of the SEPT9 protein (p.Thr430Ile). In summary, the available evidence is currently insufficient to determine the role of this variant in disease. Therefore, it has been classified as a Variant of Uncertain Significance. Advanced modeling of protein sequence and biophysical properties (such as structural, functional, and spatial information, amino acid conservation, physicochemical variation, residue mobility, and thermodynamic stability) performed at Invitae indicates that this missense variant is expected to disrupt SEPT9 protein function. This variant has not been reported in the literature in individuals affected with SEPT9-related conditions. This variant is not present in population databases (gnomAD no frequency).